The following is an entry in ClinVar:

NM_004655.4(AXIN2):c.226A>G (p.Thr76Ala)

Gene: AXIN2 (axin 2; minus strand). Cytogenetic location: 17q24.1.
Variant type: single nucleotide variant.
Coding change: c.226A>G on transcript NM_004655.4 (MANE Select); coding-DNA position 226, A replaced by G.
Protein change: p.Thr76Ala; replaces threonine 76 with alanine.
Molecular consequence: missense variant.
Genome position (GRCh38, 1-based): chr17:65,558,395, T>C on the plus strand (A>G on the coding strand, the complement: AXIN2 is on the minus strand). VCF-style: chr17-65558395-T-C. GRCh37 (hg19) VCF-style: chr17-63554513-T-C.
Other names: c.226A>G, p.Thr76Ala (NM_001363813.1); short protein forms T76A.
Identifiers: ClinVar variation 937970 (VCV000937970.9), dbSNP rs2044306936, ClinGen allele CA400681862.
Genomic context (GRCh38, chr17:65,558,395, plus strand): 5'-GGAACAGGTAAGCACCGTCTTGATCGCCCAATAAGGAGTGTAAGGACTTGGTCCACCGGG[T>C]CAGAGGGGAATCCGGAGATGCCCGCCCCTCCGGCTCCCCCAACCCATCTTCGTTCCGCCT-3'
Protein context (NP_004646.3, residues 66-86): EGRASPDSPL[Thr76Ala]RWTKSLHSLL

ClinVar aggregate classification (germline): Uncertain significance (1 of 4 stars; one submission).

Conditions:
Oligodontia-cancer predisposition syndrome. Also called: TOOTH AGENESIS-COLORECTAL CANCER SYNDROME. Identifiers: Orphanet 300576, MedGen C1837750, MONDO:0012075, OMIM 608615. Disease mechanism: loss of function.

Allele frequency attached by ClinVar (database versions not stated): TOPMed below 0.00001; gnomAD 0.00001.
gnomAD v4.1: 1 of 1,606,856 alleles (0.000062%); highest among the groups gnomAD compares: South Asian, 0.0011%; no homozygotes.

Submission:

Labcorp Genetics (formerly Invitae), Labcorp
Classification: Uncertain significance for Oligodontia-cancer predisposition syndrome. Last evaluated: 2019-06-16. Review status: criteria provided, single submitter. Criteria: Invitae Variant Classification Sherloc (09022015). Collection method: clinical testing. Allele origin: germline.
Comment: In summary, the available evidence is currently insufficient to determine the role of this variant in disease. Therefore, it has been classified as a Variant of Uncertain Significance. Algorithms developed to predict the effect of missense changes on protein structure and function output the following: SIFT: "Tolerated"; PolyPhen-2: "Benign"; Align-GVGD: "Class C0". The alanine amino acid residue is found in multiple mammalian species, suggesting that this missense change does not adversely affect protein function. These predictions have not been confirmed by published functional studies and their clinical significance is uncertain. This variant has not been reported in the literature in individuals with AXIN2-related conditions. This variant is not present in population databases (ExAC no frequency). This sequence change replaces threonine with alanine at codon 76 of the AXIN2 protein (p.Thr76Ala). The threonine residue is weakly conserved and there is a small physicochemical difference between threonine and alanine.